The following is an entry in ClinVar:

NM_001142864.4(PIEZO1):c.4493_4495+8del

Gene: PIEZO1 (piezo type mechanosensitive ion channel component 1 (Er blood group); minus strand). Cytogenetic location: 16q24.3.
Variant type: Deletion.
Coding change: c.4493_4495+8del on transcript NM_001142864.4 (MANE Select); coding-DNA position 4493 through 8 bases into the intron after coding-DNA position 4495, 11 bases deleted (CAGGTACGTGG).
Molecular consequence: splice donor variant.
Genome position (GRCh38, 1-based): chr16:88,723,087-88,723,097, CCACGTACCTG deleted on the plus strand (CAGGTACGTGG on the coding strand, the reverse complement: PIEZO1 is on the minus strand); deleting any 11 consecutive bases within chr16:88,723,087-88,723,099 gives the same sequence; the c. name uses the placement nearest the transcript's 3' end. VCF-style (leftmost placement, unchanged base first): chr16-88723086-CCCACGTACCTG-C. GRCh37 (hg19) VCF-style: chr16-88789494-CCCACGTACCTG-C.
Identifiers: ClinVar variation 4739509 (VCV004739509.1).

ClinVar aggregate classification (germline): Likely pathogenic (1 of 4 stars; one submission).

Submission:

Labcorp Genetics (formerly Invitae), Labcorp
Classification: Likely pathogenic. Last evaluated: 2025-07-13. Review status: criteria provided, single submitter. Criteria: Invitae Variant Classification Sherloc (09022015). Collection method: clinical testing. Allele origin: germline.
Comment: This variant results in the deletion of part of exon 33 (c.4493_4495+8del) of the PIEZO1 gene. It is expected to disrupt RNA splicing. Variants that disrupt the donor or acceptor splice site typically lead to a loss of protein function (PMID: 16199547), and loss-of-function variants in PIEZO1 are known to be pathogenic (PMID: 26333996). The frequency data for this variant in the population databases is considered unreliable, as metrics indicate poor data quality at this position in the gnomAD database. This variant has not been reported in the literature in individuals affected with PIEZO1-related conditions. In summary, the currently available evidence indicates that the variant is pathogenic, but additional data are needed to prove that conclusively. Therefore, this variant has been classified as Likely Pathogenic.

Literature cited by the submitters: PubMed 16199547; PubMed 26333996.